The following is an entry in ClinVar:

ClinVar aggregate classification (germline): Likely benign. Review status: criteria provided, multiple submitters, no conflicts (2 of 4 stars). 2 submissions from 2 submitters: Likely benign (2). Last evaluated 2025-01-01.

Conditions:
POLD1-related polyposis and colorectal cancer syndrome (CRCS10). Also called: Colorectal cancer, susceptibility to, 10; Colorectal cancer 10; COLORECTAL CANCER, SUSCEPTIBILITY TO, ON CHROMOSOME 19q. Identifiers: Orphanet 220460, MedGen C2675481, MONDO:0012953, OMIM 612591.

Submissions (2):

Labcorp Genetics (formerly Invitae), Labcorp
Classification: Likely benign for POLD1-related polyposis and colorectal cancer syndrome. Last evaluated: 2025-01-01. Review status: criteria provided, single submitter. Criteria: Invitae Variant Classification Sherloc (09022015). Collection method: clinical testing. Allele origin: germline.

GeneDx
Classification: Likely benign. Last evaluated: 2016-01-06. Review status: criteria provided, single submitter. Criteria: GeneDx Variant Classification (06012015). Collection method: clinical testing. Allele origin: germline. Affected: yes.
Comment: This variant is considered likely benign or benign based on one or more of the following criteria: it is a conservative change, it occurs at a poorly conserved position in the protein, it is predicted to be benign by multiple in silico algorithms, and/or has population frequency not consistent with disease.

NM_002691.4(POLD1):c.1383+13G>T

Gene: POLD1 (DNA polymerase delta 1, catalytic subunit; plus strand). Cytogenetic location: 19q13.33.
Variant type: single nucleotide variant.
Coding change: c.1383+13G>T on transcript NM_002691.4 (MANE Select); 13 bases into the intron after coding-DNA position 1383, G replaced by T.
Molecular consequence: intron variant.
Genome position (GRCh38, 1-based): chr19:50,406,335, G>T. VCF-style: chr19-50406335-G-T. GRCh37 (hg19) VCF-style: chr19-50909592-G-T.
Other names: c.1383+13G>T (LRG_785t2, LRG_785t1, NM_001256849.1 and 1 more transcripts).
Identifiers: ClinVar variation 382844 (VCV000382844.8), dbSNP rs1057521470, ClinGen allele CA16609017.